The following is an entry in ClinVar:

ClinVar aggregate classification (germline): Likely benign (1 of 4 stars; one submission).

Allele frequency attached by ClinVar (database versions not stated): ESP Exome Variant Server 0.00031; 1000 Genomes Project 30x 0.00078; 1000 Genomes Project 0.00080.
gnomAD v4.1: 1,598 of 1,600,760 alleles (0.1%); highest among the groups gnomAD compares: Non-Finnish European, 0.13%; 2 homozygotes.

Submission:

CeGaT Center for Human Genetics Tuebingen
Classification: Likely benign. Last evaluated: 2022-07-01. Review status: criteria provided, single submitter. Criteria: CeGaT Center For Human Genetics Tuebingen Variant Classification Criteria Version 2. Collection method: clinical testing. Allele origin: germline. Affected: yes. Observed: 1 variant allele.
Comment: LRP3: BP4, BP7

NM_002333.4(LRP3):c.951C>T (p.Arg317=)

Gene: LRP3 (LDL receptor related protein 3; plus strand). Cytogenetic location: 19q13.11.
Variant type: single nucleotide variant.
Coding change: c.951C>T on transcript NM_002333.4 (MANE Select); coding-DNA position 951, C replaced by T.
Protein change: p.Arg317=; no amino-acid change (arginine 317 retained).
Molecular consequence: synonymous variant.
Genome position (GRCh38, 1-based): chr19:33,205,721, C>T. VCF-style: chr19-33205721-C-T. GRCh37 (hg19) VCF-style: chr19-33696627-C-T.
Identifiers: ClinVar variation 2649694 (VCV002649694.24), dbSNP rs137981177, ClinGen allele CA9362638.
Genomic context (GRCh38, chr19:33,205,721, plus strand): 5'-GCTGGAACTGCGGCTGGGCTATGACGACTACGTGCAGGTATACGAGGGCCTGGGCGAGCG[C>T]GGGGACCGCCTGCTGCAGACGCTGTCCTACCGCAGCAACCACCGGCCCGTGAGCCTGGAG-3'
Protein context (NP_002324.2, residues 307-327): YVQVYEGLGE[Arg317=]GDRLLQTLSY